The following is an entry in ClinVar:

ClinVar aggregate classification (germline): Uncertain significance (1 of 4 stars; one submission).

Conditions:
Cardiovascular phenotype. Identifiers: MedGen CN230736.

Allele frequency attached by ClinVar (database versions not stated): gnomAD exomes below 0.00001; gnomAD 0.00001; TOPMed 0.00001; ExAC 0.00002.
gnomAD v4.1: 3 of 1,613,822 alleles (0.00019%); highest among the groups gnomAD compares: African/African-American, 0.004%; no homozygotes.

Submission:

Ambry Genetics
Classification: Uncertain significance for Cardiovascular phenotype. Last evaluated: 2024-03-17. Review status: criteria provided, single submitter. Criteria: Ambry Variant Classification Scheme 2023. Collection method: clinical testing. Allele origin: germline.
Comment: The p.F3813L variant (also known as c.11437T>C), located in coding exon 48 of the AKAP9 gene, results from a T to C substitution at nucleotide position 11437. The phenylalanine at codon 3813 is replaced by leucine, an amino acid with highly similar properties. This amino acid position is conserved. In addition, this alteration is predicted to be tolerated by in silico analysis. Based on the available evidence, the clinical significance of this alteration remains unclear.

NM_005751.5(AKAP9):c.11437T>C (p.Phe3813Leu)

Gene: AKAP9 (A-kinase anchoring protein 9; plus strand). Cytogenetic location: 7q21.2.
Variant type: single nucleotide variant.
Coding change: c.11437T>C on transcript NM_005751.5 (MANE Select); coding-DNA position 11437, T replaced by C.
Protein change: p.Phe3813Leu; replaces phenylalanine 3813 with leucine.
Molecular consequence: missense variant.
Genome position (GRCh38, 1-based): chr7:92,107,313, T>C. VCF-style: chr7-92107313-T-C. GRCh37 (hg19) VCF-style: chr7-91736627-T-C.
Other names: c.6082T>C, p.Phe2028Leu (NM_001379277.1); c.11413T>C, p.Phe3805Leu (NM_147185.3); short protein forms F3805L, F2028L, F3813L.
Identifiers: ClinVar variation 2248043 (VCV002248043.3), dbSNP rs748742676, ClinGen allele CA4338199.